The following is an entry in ClinVar:

NM_000069.3(CACNA1S):c.182del (p.Ile61fs)

Gene: CACNA1S (calcium voltage-gated channel subunit alpha1 S; minus strand). Cytogenetic location: 1q32.1.
Variant type: Deletion.
Coding change: c.182del on transcript NM_000069.3 (MANE Select); coding-DNA position 182, one base deleted (T; older notation c.182delT).
Protein change: p.Ile61fs; shifts the reading frame from isoleucine 61.
Molecular consequence: frameshift variant.
Genome position (GRCh38, 1-based): chr1:201,110,240, A deleted on the plus strand (T on the coding strand, the reverse complement: CACNA1S is on the minus strand). VCF-style (leftmost placement, unchanged base first): chr1-201110239-GA-G. GRCh37 (hg19) VCF-style: chr1-201079367-GA-G.
Other names: short protein forms I61fs.
Identifiers: ClinVar variation 1708955 (VCV001708955.2), dbSNP rs1263658448, ClinGen allele CA528309213.
Genomic context (GRCh38, chr1:201,110,239, plus strand): 5'-AGAGTTGTTGTCATCTTCCGGCATGGGCAGGTACACGGCCAGGGCCACACAATTGGCAAA[GA>G]TGGTGAGCAAGATGATCGTCTCGAAGGGCCTGGAGCCAGGGTTAAGGAGAGCCCTCGAGT-3'

ClinVar aggregate classification (germline): Likely pathogenic (1 of 4 stars; one submission).

Conditions:
Hypokalemic periodic paralysis, type 1. Also called: HypoPP; Hypokalemic Periodic Paralysis Type 1 (AD). Identifiers: Orphanet 681, MedGen C3714580, MONDO:0042979, OMIM 170400.

Allele frequency attached by ClinVar (database versions not stated): gnomAD exomes below 0.00001.

Submission:

MGZ Medical Genetics Center
Classification: Likely pathogenic for Hypokalemic periodic paralysis, type 1. Last evaluated: 2021-11-16. Review status: criteria provided, single submitter. Criteria: ACMG Guidelines, 2015. Collection method: clinical testing. Allele origin: germline. Affected: yes. Observed: 1 variant allele.
Comment: ACMG criteria applied: PVS1, PM2_SUP